The following is an entry in ClinVar:

NM_031904.5(FRMD8):c.93C>T (p.Asp31=)

Gene: FRMD8 (FERM domain containing 8; plus strand). Cytogenetic location: 11q13.1.
Variant type: single nucleotide variant.
Coding change: c.93C>T on transcript NM_031904.5 (MANE Select); coding-DNA position 93, C replaced by T.
Protein change: p.Asp31=; no amino-acid change (aspartic acid 31 retained).
Molecular consequence: synonymous variant. On other transcripts: intron variant (1).
Genome position (GRCh38, 1-based): chr11:65,389,368, C>T. VCF-style: chr11-65389368-C-T. GRCh37 (hg19) VCF-style: chr11-65156839-C-T.
Other names: c.93C>T, p.Asp31= (NM_001300833.3); c.85+2247C>T (NM_001300832.3).
Identifiers: ClinVar variation 2641955 (VCV002641955.24), dbSNP rs142184687, ClinGen allele CA6096204.

ClinVar aggregate classification (germline): Likely benign (1 of 4 stars; one submission).

Allele frequency attached by ClinVar (database versions not stated): 1000 Genomes Project 0.00040; 1000 Genomes Project 30x 0.00047; TOPMed 0.00096; gnomAD 0.00098; ESP Exome Variant Server 0.00100; gnomAD exomes 0.00108; ExAC 0.00109.
gnomAD v4.1: 1,725 of 1,610,244 alleles (0.11%); highest among the groups gnomAD compares: Non-Finnish European, 0.12%; no homozygotes.

Submission:

CeGaT Center for Human Genetics Tuebingen
Classification: Likely benign. Last evaluated: 2023-03-01. Review status: criteria provided, single submitter. Criteria: CeGaT Center For Human Genetics Tuebingen Variant Classification Criteria Version 2. Collection method: clinical testing. Allele origin: germline. Affected: yes. Observed: 1 variant allele.
Comment: FRMD8: BP4, BP7